The following is an entry in ClinVar:

ClinVar aggregate classification (germline): Uncertain significance. Review status: criteria provided, multiple submitters, no conflicts (2 of 4 stars). 3 submissions from 3 submitters: Uncertain significance (2). 1 of the submissions does not count toward it. Last evaluated 2026-06-30.

Conditions:
NTRK1-related disorder. Also called: NTRK1-related condition.
Hereditary insensitivity to pain with anhidrosis (CIPA). Also called: INSENSITIVITY TO PAIN, CONGENITAL, WITH ANHIDROSIS; NTRK1 Congenital Insensitivity to Pain with Anhidrosis; hereditary sensory and autonomic neuropathy type 4; HSAN Type IV; FAMILIAL DYSAUTONOMIA, TYPE II; NEUROPATHY, CONGENITAL SENSORY, WITH ANHIDROSIS. Identifiers: Orphanet 642, MedGen C0020074, MONDO:0009746, OMIM 256800.

Allele frequency attached by ClinVar (database versions not stated): gnomAD exomes 0.00001; ExAC 0.00003; gnomAD 0.00003; TOPMed 0.00003.
gnomAD v4.1: 26 of 1,608,524 alleles (0.0016%); highest among the groups gnomAD compares: South Asian, 0.0078%; 1 homozygote.

Submissions (3):

PreventionGenetics, part of Exact Sciences
Classification: Uncertain significance for NTRK1-related condition. Last evaluated: 2026-06-30. Review status: criteria provided, single submitter. Criteria: ACMG Guidelines, 2015. Collection method: clinical testing. Allele origin: germline.
Comment: The NTRK1 c.2297G>A variant is predicted to result in the amino acid substitution p.Arg766Gln. To our knowledge, this variant has not been reported in the literature. This variant is reported in 0.0068% of alleles in individuals of South Asian descent in gnomAD. At this time, the clinical significance of this variant is uncertain due to the absence of conclusive functional and genetic evidence.

Labcorp Genetics (formerly Invitae), Labcorp
Classification: Uncertain significance for Hereditary insensitivity to pain with anhidrosis. Last evaluated: 2022-03-03. Review status: criteria provided, single submitter. Criteria: Invitae Variant Classification Sherloc (09022015). Collection method: clinical testing. Allele origin: germline.
Comment: This sequence change replaces arginine, which is basic and polar, with glutamine, which is neutral and polar, at codon 760 of the NTRK1 protein (p.Arg760Gln). The frequency data for this variant in the population databases is considered unreliable, as metrics indicate poor data quality at this position in the gnomAD database. This variant has not been reported in the literature in individuals affected with NTRK1-related conditions. ClinVar contains an entry for this variant (Variation ID: 526722). Advanced modeling of protein sequence and biophysical properties (such as structural, functional, and spatial information, amino acid conservation, physicochemical variation, residue mobility, and thermodynamic stability) performed at Invitae indicates that this missense variant is not expected to disrupt NTRK1 protein function. In summary, the available evidence is currently insufficient to determine the role of this variant in disease. Therefore, it has been classified as a Variant of Uncertain Significance.

Natera, Inc.
Classification: Uncertain significance for Hereditary insensitivity to pain with anhidrosis. Last evaluated: 2020-09-16. Review status: no assertion criteria provided. Collection method: clinical testing. Allele origin: germline. Not counted in ClinVar's aggregate classification.

NM_002529.4(NTRK1):c.2297G>A (p.Arg766Gln)

Gene: NTRK1 (neurotrophic receptor tyrosine kinase 1; plus strand). Cytogenetic location: 1q23.1.
Variant type: single nucleotide variant.
Coding change: c.2297G>A on transcript NM_002529.4 (MANE Select); coding-DNA position 2297, G replaced by A.
Protein change: p.Arg766Gln; replaces arginine 766 with glutamine.
Molecular consequence: missense variant.
Genome position (GRCh38, 1-based): chr1:156,881,548, G>A. VCF-style: chr1-156881548-G-A. GRCh37 (hg19) VCF-style: chr1-156851340-G-A.
Other names: c.2297G>A (NM_002529.3); c.2189G>A, p.Arg730Gln (NM_001007792.1); c.2279G>A, p.Arg760Gln (NM_001012331.2); short protein forms R730Q, R766Q, R760Q.
Identifiers: ClinVar variation 526722 (VCV000526722.6), dbSNP rs764581997, ClinGen allele CA1169626.